The following is an entry in ClinVar:

NM_001851.6(COL9A1):c.1342-2A>G

Gene: COL9A1 (collagen type IX alpha 1 chain; minus strand). Cytogenetic location: 6q13.
Variant type: single nucleotide variant.
Coding change: c.1342-2A>G on transcript NM_001851.6 (MANE Select); the canonical splice acceptor site of the intron before coding-DNA position 1342, A replaced by G.
Molecular consequence: splice acceptor variant.
Genome position (GRCh38, 1-based): chr6:70,263,299, T>C on the plus strand (A>G on the coding strand, the complement: COL9A1 is on the minus strand). VCF-style: chr6-70263299-T-C. GRCh37 (hg19) VCF-style: chr6-70973002-T-C.
Other names: c.613-2A>G (NM_001377290.1, NM_078485.4, NM_001377289.1).
Identifiers: ClinVar variation 4734291 (VCV004734291.1).

ClinVar aggregate classification (germline): Likely pathogenic (1 of 4 stars; one submission).

Submission:

Labcorp Genetics (formerly Invitae), Labcorp
Classification: Likely pathogenic. Last evaluated: 2025-12-28. Review status: criteria provided, single submitter. Criteria: Invitae Variant Classification Sherloc (09022015). Collection method: clinical testing. Allele origin: germline.
Comment: This sequence change affects an acceptor splice site in intron 18 of the COL9A1 gene. It is expected to disrupt RNA splicing. Variants that disrupt the donor or acceptor splice site typically lead to a loss of protein function (PMID: 16199547), and loss-of-function variants in COL9A1 are known to be pathogenic (PMID: 16909383, 21421862). This variant is not present in population databases (gnomAD no frequency). This variant has not been reported in the literature in individuals affected with COL9A1-related conditions. Algorithms developed to predict the effect of sequence changes on RNA splicing suggest that this variant may disrupt the consensus splice site. In summary, the currently available evidence indicates that the variant is pathogenic, but additional data are needed to prove that conclusively. Therefore, this variant has been classified as Likely Pathogenic.

Literature cited by the submitters: PubMed 16199547; PubMed 16909383; PubMed 21421862.